The following is an entry in ClinVar:

ClinVar aggregate classification (germline): Uncertain significance (1 of 4 stars; one submission).

Allele frequency attached by ClinVar (database versions not stated): TOPMed 0.00001; ExAC 0.00002; gnomAD 0.00002; 1000 Genomes Project 0.00040; 1000 Genomes Project 30x 0.00047.
gnomAD v4.1: 5 of 1,610,652 alleles (0.00031%); highest among the groups gnomAD compares: East Asian, 0.011%; no homozygotes.

Submission:

Labcorp Genetics (formerly Invitae), Labcorp
Classification: Uncertain significance. Last evaluated: 2023-07-24. Review status: criteria provided, single submitter. Criteria: Invitae Variant Classification Sherloc (09022015). Collection method: clinical testing. Allele origin: germline.
Comment: In summary, the available evidence is currently insufficient to determine the role of this variant in disease. Therefore, it has been classified as a Variant of Uncertain Significance. An algorithm developed to predict the effect of missense changes on protein structure and function (PolyPhen-2) suggests that this variant is likely to be tolerated. This variant has not been reported in the literature in individuals affected with IKZF1-related conditions. The frequency data for this variant in the population databases is considered unreliable, as metrics indicate poor data quality at this position in the gnomAD database. This sequence change replaces glycine, which is neutral and non-polar, with valine, which is neutral and non-polar, at codon 234 of the IKZF1 protein (p.Gly234Val).

NM_006060.6(IKZF1):c.701G>T (p.Gly234Val)

Gene: IKZF1 (IKAROS family zinc finger 1; plus strand). Cytogenetic location: 7p12.2.
Variant type: single nucleotide variant.
Coding change: c.701G>T on transcript NM_006060.6 (MANE Select); coding-DNA position 701, G replaced by T.
Protein change: p.Gly234Val; replaces glycine 234 with valine.
Molecular consequence: missense variant. On other transcripts: intron variant (9).
Genome position (GRCh38, 1-based): chr7:50,387,456, G>T. VCF-style: chr7-50387456-G-T. GRCh37 (hg19) VCF-style: chr7-50455154-G-T.
Other names: c.440G>T, p.Gly147Val (NM_001220767.2, NM_001291838.2); c.272G>T, p.Gly91Val (NM_001291841.1, NM_001291842.1); c.761G>T, p.Gly254Val (NM_001410879.1); c.329-4273G>T (NM_001291839.2, NM_001220770.2); c.590-4273G>T (NM_001220765.3, NM_001291837.2); c.589+4749G>T (NM_001220768.2); c.421+10663G>T (NM_001220771.2); c.161-4273G>T (NM_001291843.1, NM_001291844.1); and 1 more; short protein forms G147V, G234V, G254V, G91V.
Identifiers: ClinVar variation 2799945 (VCV002799945.3), dbSNP rs555206872, ClinGen allele CA4261356.